The following is an entry in ClinVar:

NM_014314.4(RIGI):c.1177C>T (p.Gln393Ter)

Gene: RIGI (RNA sensor RIG-I; minus strand). Cytogenetic location: 9p21.1.
Variant type: single nucleotide variant.
Coding change: c.1177C>T on transcript NM_014314.4 (MANE Select); coding-DNA position 1177, C replaced by T.
Protein change: p.Gln393Ter; replaces glutamine 393 with a stop codon.
Molecular consequence: nonsense.
Genome position (GRCh38, 1-based): chr9:32,487,980, G>A on the plus strand (C>T on the coding strand, the complement: RIGI is on the minus strand). VCF-style: chr9-32487980-G-A. GRCh37 (hg19) VCF-style: chr9-32487978-G-A.
Other names: c.1171C>T, p.Gln391Ter (NM_001385907.1); c.1177C>T, p.Gln393Ter (NM_001385909.1); c.736C>T, p.Gln246Ter (NM_001385910.1); c.568C>T, p.Gln190Ter (NM_001385912.1); c.1162C>T, p.Gln388Ter (NM_001385913.1); c.733C>T, p.Gln245Ter (NM_001385914.1); short protein forms Q190*, Q245*, Q246*, Q388*, Q391*, Q393*.
Identifiers: ClinVar variation 1904788 (VCV001904788.6), dbSNP rs750416435, ClinGen allele CA192379802.

ClinVar aggregate classification (germline): Conflicting classifications of pathogenicity. Review status: criteria provided, conflicting classifications (1 of 4 stars). 2 submissions from 2 submitters: Uncertain significance (1); Likely benign (1). Last evaluated 2025-12-21.

gnomAD v4.1: 5 of 1,614,050 alleles (0.00031%); highest among the groups gnomAD compares: South Asian, 0.0011%; no homozygotes.

Submissions (2):

Labcorp Genetics (formerly Invitae), Labcorp
Classification: Uncertain significance. Last evaluated: 2025-12-21. Review status: criteria provided, single submitter. Criteria: Invitae Variant Classification Sherloc (09022015). Collection method: clinical testing. Allele origin: germline.
Comment: This sequence change creates a premature translational stop signal (p.Gln393*) in the DDX58 gene. It is expected to result in an absent or disrupted protein product. However, the current clinical and genetic evidence is not sufficient to establish whether loss-of-function variants in DDX58 cause disease. This variant is not present in population databases (gnomAD no frequency). This variant has not been reported in the literature in individuals affected with DDX58-related conditions. ClinVar contains an entry for this variant (Variation ID: 1904788). Algorithms developed to predict the effect of sequence changes on RNA splicing suggest that this variant may disrupt the consensus splice site. In summary, the available evidence is currently insufficient to determine the role of this variant in disease. Therefore, it has been classified as a Variant of Uncertain Significance.

Blueprint Genetics
Classification: Likely benign. Last evaluated: 2024-08-30. Review status: criteria provided, single submitter. Criteria: ACMG Guidelines, 2015. Collection method: clinical testing. Allele origin: germline.